The following is an entry in ClinVar:

ClinVar aggregate classification (germline): Likely benign. Review status: criteria provided, multiple submitters, no conflicts (2 of 4 stars). 2 submissions from 2 submitters: Likely benign (2). Last evaluated 2025-04-01.

Conditions:
ANKFY1-related disorder. Also called: ANKFY1-related condition.

gnomAD v4.1: 1 of 1,613,998 alleles (0.000062%); highest among the groups gnomAD compares: Admixed American, 0.0017%; no homozygotes.

Submissions (2):

CeGaT Center for Human Genetics Tuebingen
Classification: Likely benign. Last evaluated: 2025-04-01. Review status: criteria provided, single submitter. Criteria: CeGaT Center For Human Genetics Tuebingen Variant Classification Criteria Version 2. Collection method: clinical testing. Allele origin: germline. Affected: yes. Observed: 1 variant allele.
Comment: ANKFY1: BP4, BP7

PreventionGenetics, part of Exact Sciences
Classification: Likely benign for ANKFY1-related condition. Last evaluated: 2024-12-18. Review status: criteria provided, single submitter. Criteria: ACMG Guidelines, 2015. Collection method: clinical testing. Allele origin: germline.
Comment: This variant is classified as likely benign based on ACMG/AMP sequence variant interpretation guidelines (Richards et al. 2015 PMID: 25741868, with internal and published modifications).

NM_001330063.2(ANKFY1):c.2217C>A (p.Pro739=)

Gene: ANKFY1 (ankyrin repeat and FYVE domain containing 1; minus strand). Cytogenetic location: 17p13.2.
Variant type: single nucleotide variant.
Coding change: c.2217C>A on transcript NM_001330063.2 (MANE Select); coding-DNA position 2217, C replaced by A.
Protein change: p.Pro739=; no amino-acid change (proline 739 retained).
Molecular consequence: synonymous variant. On other transcripts: non-coding transcript variant (1).
Genome position (GRCh38, 1-based): chr17:4,181,277, G>T on the plus strand (C>A on the coding strand, the complement: ANKFY1 is on the minus strand). VCF-style: chr17-4181277-G-T. GRCh37 (hg19) VCF-style: chr17-4084572-G-T.
Other names: c.2343C>A (NM_001257999.2); c.2343C>A, p.Pro781= (NM_001257999.3); c.2220C>A, p.Pro740= (NM_016376.5).
Identifiers: ClinVar variation 3898466 (VCV003898466.8).